The following is an entry in ClinVar:

NM_001367561.1(DOCK7):c.4561G>A (p.Ala1521Thr)

Gene: DOCK7 (dedicator of cytokinesis 7; minus strand). Cytogenetic location: 1p31.3.
Variant type: single nucleotide variant.
Coding change: c.4561G>A on transcript NM_001367561.1 (MANE Select); coding-DNA position 4561, G replaced by A.
Protein change: p.Ala1521Thr; replaces alanine 1521 with threonine.
Molecular consequence: missense variant.
Genome position (GRCh38, 1-based): chr1:62,505,732, C>T on the plus strand (G>A on the coding strand, the complement: DOCK7 is on the minus strand). VCF-style: chr1-62505732-C-T. GRCh37 (hg19) VCF-style: chr1-62971403-C-T.
Other names: c.4534G>A, p.Ala1512Thr (NM_001271999.2, NM_001330614.2); c.4441G>A, p.Ala1481Thr (NM_001272000.2, NM_001272001.2); c.4468G>A, p.Ala1490Thr (NM_033407.4); short protein forms A1481T, A1521T, A1490T, A1512T.
Identifiers: ClinVar variation 2015271 (VCV002015271.3), dbSNP rs1646918177, ClinGen allele CA340619402.

ClinVar aggregate classification (germline): Uncertain significance (1 of 4 stars; one submission).

Conditions:
Developmental and epileptic encephalopathy, 23 (DEE23). Also called: Epileptic encephalopathy, early infantile, 23. Identifiers: Orphanet 411986, MedGen C4014492, MONDO:0014371, OMIM 615859.

Allele frequency attached by ClinVar (database versions not stated): gnomAD exomes below 0.00001; TOPMed below 0.00001.
gnomAD v4.1: 1 of 1,613,486 alleles (0.000062%); highest among the groups gnomAD compares: Non-Finnish European, 0.000085%; no homozygotes.

Submission:

Labcorp Genetics (formerly Invitae), Labcorp
Classification: Uncertain significance for Developmental and epileptic encephalopathy, 23. Last evaluated: 2024-10-22. Review status: criteria provided, single submitter. Criteria: Invitae Variant Classification Sherloc (09022015). Collection method: clinical testing. Allele origin: germline.
Comment: This sequence change replaces alanine, which is neutral and non-polar, with threonine, which is neutral and polar, at codon 1512 of the DOCK7 protein (p.Ala1512Thr). This variant is not present in population databases (gnomAD no frequency). This variant has not been reported in the literature in individuals affected with DOCK7-related conditions. ClinVar contains an entry for this variant (Variation ID: 2015271). An algorithm developed to predict the effect of missense changes on protein structure and function (PolyPhen-2) suggests that this variant is likely to be tolerated. In summary, the available evidence is currently insufficient to determine the role of this variant in disease. Therefore, it has been classified as a Variant of Uncertain Significance.